The following is an entry in ClinVar:

NM_006445.4(PRPF8):c.7008A>T (p.Ter2336Cys)

Gene: PRPF8 (pre-mRNA processing factor 8; minus strand). Cytogenetic location: 17p13.3.
Variant type: single nucleotide variant.
Coding change: c.7008A>T on transcript NM_006445.4 (MANE Select); coding-DNA position 7008, A replaced by T.
Protein change: p.Ter2336Cys.
Molecular consequence: stop lost.
Genome position (GRCh38, 1-based): chr17:1,650,802, T>A on the plus strand (A>T on the coding strand, the complement: PRPF8 is on the minus strand). VCF-style: chr17-1650802-T-A. GRCh37 (hg19) VCF-style: chr17-1554096-T-A.
Identifiers: ClinVar variation 3638764 (VCV003638764.2).

ClinVar aggregate classification (germline): Uncertain significance (1 of 4 stars; one submission).

Submission:

Labcorp Genetics (formerly Invitae), Labcorp
Classification: Uncertain significance. Last evaluated: 2024-02-04. Review status: criteria provided, single submitter. Criteria: Invitae Variant Classification Sherloc (09022015). Collection method: clinical testing. Allele origin: germline.
Comment: This sequence change disrupts the translational stop signal of the PRPF8 mRNA. It is expected to extend the length of the PRPF8 protein by 41 additional amino acid residues. This variant is not present in population databases (gnomAD no frequency). This variant has not been reported in the literature in individuals affected with PRPF8-related conditions. This variant results in an extension of the PRPF8 protein. Other variant(s) that result in a similarly extended protein product (p.*2336Trpext*41) have been determined to be pathogenic (PMID: 26496393). This suggests that these extensions are likely to be disease-causing. In summary, the available evidence is currently insufficient to determine the role of this variant in disease. Therefore, it has been classified as a Variant of Uncertain Significance.

Literature cited by the submitters: PubMed 26496393.